The following is an entry in ClinVar:

ClinVar aggregate classification (germline): Pathogenic (1 of 4 stars; one submission).

Conditions:
Familial cancer of breast. Also called: Hereditary breast cancer; BREAST CANCER, FAMILIAL; hereditary breast carcinoma. Identifiers: Orphanet 227535, MedGen C0346153, MONDO:0016419, OMIM 114480. Disease mechanism: loss of function.

Submission:

Myriad Genetics, Inc.
Classification: Pathogenic for Familial cancer of breast. Last evaluated: 2023-05-19. Review status: criteria provided, single submitter. Criteria: Myriad Autosomal Dominant, Autosomal Recessive and X-Linked Classification Criteria (2023). Collection method: clinical testing. Allele origin: unknown.
Comment: This variant is considered pathogenic. This variant creates a frameshift predicted to result in premature protein truncation.

NM_000465.4(BARD1):c.543del (p.Glu181fs)

Gene: BARD1 (BRCA1 associated RING domain 1; minus strand). Cytogenetic location: 2q35.
Variant type: Deletion.
Coding change: c.543del on transcript NM_000465.4 (MANE Select); coding-DNA position 543, one base deleted (A; older notation c.543delA).
Protein change: p.Glu181fs; shifts the reading frame from glutamic acid 181.
Molecular consequence: frameshift variant. On other transcripts: non-coding transcript variant (2), intron variant (3).
Genome position (GRCh38, 1-based): chr2:214,781,331, T deleted on the plus strand (A on the coding strand, the reverse complement: BARD1 is on the minus strand); the first of 2 consecutive T bases (chr2:214,781,331-214,781,332); deleting either gives the same sequence. VCF-style (leftmost placement, unchanged base first): chr2-214781330-AT-A. GRCh37 (hg19) VCF-style: chr2-215646054-AT-A.
Other names: c.486del, p.Glu162fs (NM_001282543.2); c.158+28081del (NM_001282548.2); c.215+15730del (NM_001282545.2); c.364+10966del (NM_001282549.2); short protein forms E162fs, E181fs.
Identifiers: ClinVar variation 2583623 (VCV002583623.2), dbSNP rs2469512063, ClinGen allele CA2582342107.